The following is an entry in ClinVar:

ClinVar aggregate classification (germline): Uncertain significance (1 of 4 stars; one submission).

Conditions:
Malignant hyperthermia, susceptibility to, 1 (MHS1). Also called: RYR1-Related Malignant Hyperthermia Susceptibility; Malignant hyperthermia suceptibility 1; Anesthesia related hyperthermia; Malignant hyperpyrexia; Fulminating hyperpyrexia; Pharmacogenic myopathy. Identifiers: Orphanet 423, MedGen C2930980, MONDO:0007783, OMIM 145600.

Submission:

Color Diagnostics, LLC DBA Color Health
Classification: Uncertain significance for Malignant hyperthermia, susceptibility to, 1. Last evaluated: 2025-06-30. Review status: criteria provided, single submitter. Criteria: ACMG Guidelines, 2015. Collection method: clinical testing. Allele origin: germline.
Comment: This variant causes a G to T nucleotide substitution at the +6 position of intron 77/105 of the RYR1 gene. To our knowledge, functional studies have not been reported for this variant. This variant has not been reported in individuals affected with RYR1-related disorders in the literature. This variant has not been identified in the general population by the Genome Aggregation Database (gnomAD). The available evidence is insufficient to determine the role of this variant in disease conclusively. Therefore, this variant is classified as a Variant of Uncertain Significance.

NM_000540.3(RYR1):c.11193+6G>T

Gene: RYR1 (ryanodine receptor 1; plus strand). Cytogenetic location: 19q13.2.
Variant type: single nucleotide variant.
Coding change: c.11193+6G>T on transcript NM_000540.3 (MANE Select); 6 bases into the intron after coding-DNA position 11193, G replaced by T.
Molecular consequence: intron variant.
Genome position (GRCh38, 1-based): chr19:38,532,547, G>T. VCF-style: chr19-38532547-G-T. GRCh37 (hg19) VCF-style: chr19-39023187-G-T.
Other names: c.11178+6G>T (NM_001042723.2).
Identifiers: ClinVar variation 4757371 (VCV004757371.1).